The following is an entry in ClinVar:

ClinVar aggregate classification (germline): Uncertain significance (1 of 4 stars; one submission).

Conditions:
KMT2C-related disorder. Also called: KMT2C-related condition; KMT2C-related disorders.

gnomAD v4.1: 3 of 1,613,910 alleles (0.00019%); highest among the groups gnomAD compares: Non-Finnish European, 0.00025%; no homozygotes.

Submission:

PreventionGenetics, part of Exact Sciences
Classification: Uncertain significance for KMT2C-related condition. Last evaluated: 2025-11-22. Review status: criteria provided, single submitter. Criteria: ACMG Guidelines, 2015. Collection method: clinical testing. Allele origin: germline.
Comment: The KMT2C c.565C>T variant is predicted to result in the amino acid substitution p.Pro189Ser. To our knowledge, this variant has not been reported in the literature. This variant is reported in 0.00088% of alleles in individuals of European (Non-Finnish) descent in gnomAD. At this time, the clinical significance of this variant is uncertain due to the absence of conclusive functional and genetic evidence.

NM_170606.3(KMT2C):c.565C>T (p.Pro189Ser)

Gene: KMT2C (lysine methyltransferase 2C; minus strand). Cytogenetic location: 7q36.1.
Variant type: single nucleotide variant.
Coding change: c.565C>T on transcript NM_170606.3 (MANE Select); coding-DNA position 565, C replaced by T.
Protein change: p.Pro189Ser; replaces proline 189 with serine.
Molecular consequence: missense variant.
Genome position (GRCh38, 1-based): chr7:152,315,163, G>A on the plus strand (C>T on the coding strand, the complement: KMT2C is on the minus strand). VCF-style: chr7-152315163-G-A. GRCh37 (hg19) VCF-style: chr7-152012248-G-A.
Other names: short protein forms P189S.
Identifiers: ClinVar variation 4995156 (VCV004995156.1).